The following is an entry in ClinVar:

ClinVar aggregate classification (germline): Pathogenic/Likely pathogenic. Review status: criteria provided, multiple submitters, no conflicts (2 of 4 stars). 11 submissions from 11 submitters: Pathogenic (5); Likely pathogenic (5). 1 of the submissions does not count toward it. Last evaluated 2026-03-19.

Conditions:
Wolfram syndrome 1 (WFS1). Identifiers: Orphanet 3463, MedGen C4551693, MONDO:0009101, OMIM 222300.
Wolfram-like syndrome. Also called: HEARING LOSS, PROGRESSIVE, WITH OPTIC ATROPHY AND/OR IMPAIRED GLUCOSE REGULATION. Identifiers: Orphanet 411590, MedGen C3280358, MONDO:0013673, OMIM 614296.
Cataract 41 (CTRCT41). Also called: CATARACT 41, CONGENITAL NUCLEAR TYPE. Identifiers: Orphanet 91492, Orphanet 98991, Orphanet 98992, Orphanet 98995, MedGen C3805412, MONDO:0007287, OMIM 116400.
Autosomal dominant nonsyndromic hearing loss 6 (LFSNHL). Also called: Autosomal dominant nonsyndromic deafness 6; DEAFNESS, AUTOSOMAL DOMINANT 6; DEAFNESS, AUTOSOMAL DOMINANT 14; DEAFNESS, AUTOSOMAL DOMINANT 38. Identifiers: Orphanet 90635, MedGen C1833021, MONDO:0010963, OMIM 600965.
Type 2 diabetes mellitus. Also called: Type II diabetes mellitus. Identifiers: MedGen C0011860, MeSH D003924, MONDO:0005148, OMIM 125853, HP:0005978.
WFS1-related disorder. Identifiers: MedGen CN379391, MONDO:0700293.
Wolfram syndrome. Also called: Diabetes mellitus AND insipidus with optic atrophy AND deafness; DIDMOAD (Diabetes Insipidus, Diabetes Mellitus, Optic Atrophy, and Deafness). Identifiers: Orphanet 3463, MedGen C0043207, MONDO:0018105.

Allele frequency attached by ClinVar (database versions not stated): ExAC 0.00001; gnomAD exomes 0.00001; gnomAD 0.00002 and 0.00003; TOPMed 0.00003; ESP Exome Variant Server 0.00008.
gnomAD v4.1: 106 of 1,612,958 alleles (0.0066%); highest among the groups gnomAD compares: Non-Finnish European, 0.0086%; no homozygotes.

Submissions (11):

GeneDx
Classification: Likely pathogenic. Last evaluated: 2026-03-19. Review status: criteria provided, single submitter. Criteria: GeneDx Variant Classification Process June 2021. Collection method: clinical testing. Allele origin: germline.
Comment: Published functional studies demonstrate a damaging effect on protein function (PMID: 16806192, 36134655); In silico analysis supports that this missense variant has a deleterious effect on protein structure/function; This variant is associated with the following publications: (PMID: 36208030, 36134655, 16806192, 10521293, 40297921, 30773290, 28432734, 20490821)

PreventionGenetics, part of Exact Sciences
Classification: Likely pathogenic for WFS1-related condition. Last evaluated: 2025-10-22. Review status: criteria provided, single submitter. Criteria: ACMG Guidelines, 2015. Collection method: clinical testing. Allele origin: germline.
Comment: The WFS1 c.2654C>T variant is predicted to result in the amino acid substitution p.Pro885Leu. This variant was reported in the homozygous state in two individuals with Wolfram syndrome (Hardy et al. 1999. PubMed ID: 10521293; Astuti et al. 2017. PubMed ID: 28432734) and in the heterozygous state without a second variant in a patient with chronic kidney disease, hypertension, diabetes mellitus and depression (Connaughton et al. 2019. PubMed ID: 30773290). Functional in vitro studies determined this variant results in increase proteasomal degradation of the wolframin protein (Hofmann et al. 2006. PubMed ID: 16806192). This variant is reported in 0.0027% of alleles in individuals of European (Non-Finnish) descent in gnomAD. This variant is interpreted as uncertain in the context of autosomal dominant Wolfram-like syndrome, and as likely pathogenic for autosomal recessive Wolfram syndrome.

Labcorp Genetics (formerly Invitae), Labcorp
Classification: Pathogenic. Last evaluated: 2025-06-04. Review status: criteria provided, single submitter. Criteria: Invitae Variant Classification Sherloc (09022015). Collection method: clinical testing. Allele origin: germline.
Comment: This sequence change replaces proline, which is neutral and non-polar, with leucine, which is neutral and non-polar, at codon 885 of the WFS1 protein (p.Pro885Leu). This variant is present in population databases (rs372855769, gnomAD 0.004%). This missense change has been observed in individuals with autosomal recessive Wolfram syndrome (PMID: 10521293, 28432734). ClinVar contains an entry for this variant (Variation ID: 437297). Invitae Evidence Modeling of protein sequence and biophysical properties (such as structural, functional, and spatial information, amino acid conservation, physicochemical variation, residue mobility, and thermodynamic stability) indicates that this missense variant is expected to disrupt WFS1 protein function with a positive predictive value of 95%. Experimental studies have shown that this missense change affects WFS1 function (PMID: 16806192). For these reasons, this variant has been classified as Pathogenic.

Victorian Clinical Genetics Services, Murdoch Childrens Research Institute
Classification: Pathogenic for Wolfram syndrome 1. Last evaluated: 2024-12-17. Review status: criteria provided, single submitter. Criteria: ACMG Guidelines, 2015. Collection method: clinical testing. Allele origin: germline. Affected: yes.
Comment: This variant is classified as Pathogenic. Evidence in support of pathogenic classification: Variant is present in gnomAD <0.01 (v4: 106 heterozygote(s), 0 homozygote(s)); This variant has strong previous evidence of pathogenicity in unrelated individuals. It has been classified as pathogenic and likely pathogenic by multiple clinical laboratories (ClinVar). This variant has also been reported in heterozygous, compound heterozygous and homozygous individuals with Wolfram syndrome (PMID: 20490821, 30773290, 10521293); Missense variant consistently predicted to be damaging by in silico tool or highly conserved with a major amino acid change. Additional information: Variant is predicted to result in a missense amino acid change from proline to leucine; This variant is heterozygous; This gene is associated with both recessive and dominant disease. Both deafness 6/14/38 (MIM#600965) and Wolfram-like syndrome (MIM#614296) are inherited in an autosomal dominant manner, while Wolfram syndrome 1 (MIM#222300) is autosomal recessive. A clear genotype-phenotype correlation is currently unestablished; Variant is located in the annotated Wolframin C-terminal OB-fold domain (DECIPHER); Loss of function is a known mechanism of disease in this gene and is associated with autosomal recessive Wolfram syndrome (MIM#222300). Dominant-negative is suggested for heterozygous missense variants causing autosomal dominant Wolfram-like syndrome (MIM#614296) (PMID: 32219690); Heterozygous variant detected in trans with a second PATHOGENIC heterozygous variant, NM_006005.3(WFS1):c.1309G>C; p.(Gly437Arg), in a recessive disease.

CeGaT Center for Human Genetics Tuebingen
Classification: Likely pathogenic. Last evaluated: 2023-10-01. Review status: criteria provided, single submitter. Criteria: CeGaT Center For Human Genetics Tuebingen Variant Classification Criteria Version 2. Collection method: clinical testing. Allele origin: germline. Affected: yes. Observed: 1 variant allele.
Comment: WFS1: PM2, PM3, PP4, PS3:Supporting

Greenwood Genetic Center Diagnostic Laboratories, Greenwood Genetic Center
Classification: Pathogenic for Wolfram syndrome 1. Last evaluated: 2023-02-28. Review status: criteria provided, single submitter. Criteria: ACMG Guidelines, 2015. Collection method: clinical testing. Allele origin: germline. Affected: yes.
Comment: PS3, PM1, PM2, PM3_Supporting, PP3

Fulgent Genetics
Classification: Likely pathogenic for Cataract 41; Type 2 diabetes mellitus; Wolfram syndrome 1; Autosomal dominant nonsyndromic hearing loss 6; Wolfram-like syndrome. Last evaluated: 2021-11-18. Review status: criteria provided, single submitter. Criteria: ACMG Guidelines, 2015. Collection method: clinical testing. Allele origin: unknown.

Blueprint Genetics
Classification: Pathogenic for WFS1-related disorders. Last evaluated: 2020-12-23. Review status: criteria provided, single submitter. Criteria: ACMG Guidelines, 2015. Collection method: clinical testing. Allele origin: germline. Affected: yes. Observed: 5 variant alleles.

Genetic Services Laboratory, University of Chicago
Classification: Likely pathogenic for Wolfram syndrome. Last evaluated: 2016-05-11. Review status: criteria provided, single submitter. Criteria: ACMG Guidelines, 2015. Collection method: clinical testing. Allele origin: germline. Affected: yes.

Rady Children's Institute for Genomic Medicine, Rady Children's Hospital San Diego
Classification: Pathogenic for WFS1-Related Disorders. Review status: criteria provided, single submitter. Criteria: ACMG Guidelines, 2015. Collection method: clinical testing. Allele origin: germline. Affected: yes.
Comment: This variant has been previously reported as a heterozygous and homozygous change in patients with Wolfram-like Syndrome/ Wolfram Syndrome (PMID: 10521293, 30773290, 28432734). In vitro analysis illustrated that the c.2654C>T (p.Pro885Leu) variant results in reduce protein expression affecting WFS1 function (PMID: 16806192). The c.2654C>T (p.Pro885Leu) variant is present in the heterozygous state in the gnomAD population database at a frequency of 0.001% (3/249382) and thus is presumed to be rare. The c.2654C>T (p.Pro885Leu) variant affects a highly conserved amino acid and is predicted by multiple in silico tools to have a deleterious effect on protein function. Based on the available evidence, the c.2654C>T (p.Pro885Leu) variant is classified as Pathogenic.

Yale Center for Mendelian Genomics, Yale University
Classification: Likely pathogenic for Wolfram-like syndrome. Last evaluated: 2019-02-14. Review status: no assertion criteria provided. Collection method: literature only. Allele origin: germline. Affected: yes. Observed: 1 compound heterozygote. Study: Yale Center for Mendelian Genomics. Not counted in ClinVar's aggregate classification.

Literature cited by the submitters: PubMed 10521293 (cited by Labcorp Genetics (formerly Invitae), Labcorp and Victorian Clinical Genetics Services, Murdoch Childrens Research Institute); PubMed 28432734 (cited by Labcorp Genetics (formerly Invitae), Labcorp); PubMed 16806192 (cited by Labcorp Genetics (formerly Invitae), Labcorp); PubMed 30773290 (cited by Victorian Clinical Genetics Services, Murdoch Childrens Research Institute and Yale Center for Mendelian Genomics, Yale University); PubMed 32219690 (cited by Victorian Clinical Genetics Services, Murdoch Childrens Research Institute); PubMed 20490821 (cited by Victorian Clinical Genetics Services, Murdoch Childrens Research Institute).

NM_006005.3(WFS1):c.2654C>T (p.Pro885Leu)

Gene: WFS1 (wolframin ER transmembrane glycoprotein; plus strand). Cytogenetic location: 4p16.1.
Variant type: single nucleotide variant.
Coding change: c.2654C>T on transcript NM_006005.3 (MANE Select); coding-DNA position 2654, C replaced by T.
Protein change: p.Pro885Leu; replaces proline 885 with leucine.
Molecular consequence: missense variant.
Genome position (GRCh38, 1-based): chr4:6,302,449, C>T. VCF-style: chr4-6302449-C-T. GRCh37 (hg19) VCF-style: chr4-6304176-C-T.
Other names: c.2654C>T, p.Pro885Leu (NM_001145853.1); short protein forms P885L.
Identifiers: ClinVar variation 437297 (VCV000437297.43), dbSNP rs372855769, ClinGen allele CA2839823.